The following is an entry in ClinVar:

NM_006182.4(DDR2):c.1288G>A (p.Glu430Lys)

Gene: DDR2 (discoidin domain receptor tyrosine kinase 2; plus strand). Cytogenetic location: 1q23.3.
Variant type: single nucleotide variant.
Coding change: c.1288G>A on transcript NM_006182.4 (MANE Select); coding-DNA position 1288, G replaced by A.
Protein change: p.Glu430Lys; replaces glutamic acid 430 with lysine.
Molecular consequence: missense variant.
Genome position (GRCh38, 1-based): chr1:162,767,354, G>A. VCF-style: chr1-162767354-G-A. GRCh37 (hg19) VCF-style: chr1-162737144-G-A.
Other names: c.1288G>A, p.Glu430Lys (NM_001014796.3, NM_001354982.2, NM_001354983.2); short protein forms E430K.
Identifiers: ClinVar variation 1404286 (VCV001404286.8), dbSNP rs776562909, ClinGen allele CA343410501.

ClinVar aggregate classification (germline): Uncertain significance (1 of 4 stars; one submission).

gnomAD v4.1: 3 of 1,613,900 alleles (0.00019%); highest among the groups gnomAD compares: Non-Finnish European, 0.00025%; no homozygotes.

Submission:

Labcorp Genetics (formerly Invitae), Labcorp
Classification: Uncertain significance. Last evaluated: 2022-07-12. Review status: criteria provided, single submitter. Criteria: Invitae Variant Classification Sherloc (09022015). Collection method: clinical testing. Allele origin: germline.
Comment: In summary, the available evidence is currently insufficient to determine the role of this variant in disease. Therefore, it has been classified as a Variant of Uncertain Significance. Algorithms developed to predict the effect of missense changes on protein structure and function (SIFT, PolyPhen-2, Align-GVGD) all suggest that this variant is likely to be disruptive. ClinVar contains an entry for this variant (Variation ID: 1404286). This variant has not been reported in the literature in individuals affected with DDR2-related conditions. This variant is present in population databases (no rsID available, gnomAD 0.0009%). This sequence change replaces glutamic acid, which is acidic and polar, with lysine, which is basic and polar, at codon 430 of the DDR2 protein (p.Glu430Lys).